The following is an entry in ClinVar:

NM_005188.4(CBL):c.1561A>G (p.Lys521Glu)

Gene: CBL (Cbl proto-oncogene; plus strand). Cytogenetic location: 11q23.3.
Variant type: single nucleotide variant.
Coding change: c.1561A>G on transcript NM_005188.4 (MANE Select); coding-DNA position 1561, A replaced by G.
Protein change: p.Lys521Glu; replaces lysine 521 with glutamic acid.
Molecular consequence: missense variant.
Genome position (GRCh38, 1-based): chr11:119,285,098, A>G. VCF-style: chr11-119285098-A-G. GRCh37 (hg19) VCF-style: chr11-119155808-A-G.
Other names: c.1561A>G (NM_005188.2); short protein forms K521E.
Identifiers: ClinVar variation 2799735 (VCV002799735.5), dbSNP rs2496951834, ClinGen allele CA382918630.

ClinVar aggregate classification (germline): Uncertain significance. Review status: criteria provided, multiple submitters, no conflicts (2 of 4 stars). 3 submissions from 3 submitters: Uncertain significance (3). Last evaluated 2025-01-24.

Conditions:
Cardiovascular phenotype. Identifiers: MedGen CN230736.
RASopathy. Also called: rasopathies; Noonan spectrum disorder. Identifiers: Orphanet 536391, MedGen C5555857, MONDO:0021060.

Submissions (3):

Ambry Genetics
Classification: Uncertain significance for Cardiovascular phenotype. Last evaluated: 2025-01-24. Review status: criteria provided, single submitter. Criteria: Ambry Variant Classification Scheme 2023. Collection method: clinical testing. Allele origin: germline.
Comment: The p.K521E variant (also known as c.1561A>G), located in coding exon 10 of the CBL gene, results from an A to G substitution at nucleotide position 1561. The lysine at codon 521 is replaced by glutamic acid, an amino acid with similar properties. This amino acid position is conserved. In addition, this alteration is predicted to be deleterious by in silico analysis. Based on the available evidence, the clinical significance of this variant remains unclear.

Women's Health and Genetics/Laboratory Corporation of America, LabCorp
Classification: Uncertain significance. Last evaluated: 2024-10-21. Review status: criteria provided, single submitter. Criteria: LabCorp Variant Classification Summary - May 2015. Collection method: clinical testing. Allele origin: germline.
Comment: Variant summary: CBL c.1561A>G (p.Lys521Glu) results in a conservative amino acid change in the encoded protein sequence. Three of five in-silico tools predict a benign effect of the variant on protein function. Consensus agreement among computation tools predict no significant impact on normal splicing. However, these predictions have yet to be confirmed by functional studies. The variant was absent in 251470 control chromosomes. The available data on variant occurrences in the general population are insufficient to allow any conclusion about variant significance. To our knowledge, no occurrence of c.1561A>G in individuals affected with CBL-related conditions and no experimental evidence demonstrating its impact on protein function have been reported. ClinVar contains an entry for this variant (Variation ID: 2799735). Based on the evidence outlined above, the variant was classified as uncertain significance.

Labcorp Genetics (formerly Invitae), Labcorp
Classification: Uncertain significance for RASopathy. Last evaluated: 2022-12-07. Review status: criteria provided, single submitter. Criteria: Invitae Variant Classification Sherloc (09022015). Collection method: clinical testing. Allele origin: germline.
Comment: This sequence change replaces lysine, which is basic and polar, with glutamic acid, which is acidic and polar, at codon 521 of the CBL protein (p.Lys521Glu). This variant is not present in population databases (gnomAD no frequency). This variant has not been reported in the literature in individuals affected with CBL-related conditions. Algorithms developed to predict the effect of missense changes on protein structure and function (SIFT, PolyPhen-2, Align-GVGD) all suggest that this variant is likely to be tolerated. In summary, the available evidence is currently insufficient to determine the role of this variant in disease. Therefore, it has been classified as a Variant of Uncertain Significance.